The following is an entry in ClinVar:

NM_001099293.3(KIF4B):c.2876T>C (p.Leu959Pro)

Gene: KIF4B (kinesin family member 4B; plus strand). Cytogenetic location: 5q33.2.
Variant type: single nucleotide variant.
Coding change: c.2876T>C on transcript NM_001099293.3 (MANE Select); coding-DNA position 2876, T replaced by C.
Protein change: p.Leu959Pro; replaces leucine 959 with proline.
Molecular consequence: missense variant.
Genome position (GRCh38, 1-based): chr5:155,016,735, T>C. VCF-style: chr5-155016735-T-C. GRCh37 (hg19) VCF-style: chr5-154396295-T-C.
Other names: short protein forms L959P.
Identifiers: ClinVar variation 714284 (VCV000714284.5), dbSNP rs148448511, ClinGen allele CA3530263.

ClinVar aggregate classification (germline): Benign. Review status: criteria provided, single submitter (1 of 4 stars). 2 submissions from 2 submitters: Benign (1). 1 of the submissions does not count toward it. Last evaluated 2018-06-18.

Conditions:
KIF4B-related disorder. Also called: KIF4B-related condition.

Allele frequency attached by ClinVar (database versions not stated): gnomAD exomes 0.00021 and 0.00069; ExAC 0.00085; 1000 Genomes Project 0.00140; 1000 Genomes Project 30x 0.00141; gnomAD 0.00246 and 0.00277; TOPMed 0.00286; ESP Exome Variant Server 0.00369.
gnomAD v4.1: 706 of 1,614,150 alleles (0.044%); highest among the groups gnomAD compares: African/African-American, 0.81%; 6 homozygotes.

Submissions (2):

Labcorp Genetics (formerly Invitae), Labcorp
Classification: Benign. Last evaluated: 2018-06-18. Review status: criteria provided, single submitter. Criteria: Invitae Variant Classification Sherloc (09022015). Collection method: clinical testing. Allele origin: germline.

PreventionGenetics, part of Exact Sciences
Classification: Benign for KIF4B-related condition. Last evaluated: 2020-02-18. Review status: no assertion criteria provided. Collection method: clinical testing. Allele origin: germline. Not counted in ClinVar's aggregate classification.
Comment: This variant is classified as benign based on ACMG/AMP sequence variant interpretation guidelines (Richards et al. 2015 PMID: 25741868, with internal and published modifications).